The following is an entry in ClinVar:

NM_005633.4(SOS1):c.643T>C (p.Tyr215His)

Gene: SOS1 (SOS Ras/Rac guanine nucleotide exchange factor 1; minus strand). Cytogenetic location: 2p22.1.
Variant type: single nucleotide variant.
Coding change: c.643T>C on transcript NM_005633.4 (MANE Select); coding-DNA position 643, T replaced by C.
Protein change: p.Tyr215His; replaces tyrosine 215 with histidine.
Molecular consequence: missense variant.
Genome position (GRCh38, 1-based): chr2:39,054,691, A>G on the plus strand (T>C on the coding strand, the complement: SOS1 is on the minus strand). VCF-style: chr2-39054691-A-G. GRCh37 (hg19) VCF-style: chr2-39281832-A-G.
Other names: p.Y215H:TAT>CAT; c.643T>C (NM_005633.3); c.622T>C, p.Tyr208His (NM_001382394.1); c.643T>C, p.Tyr215His (NM_001382395.1); short protein forms Y215H, Y208H.
Identifiers: ClinVar variation 181547 (VCV000181547.16), dbSNP rs730881039, ClinGen allele CA297253.
Genomic context (GRCh38, chr2:39,054,691, plus strand): 5'-TTGAATTGGAGACAAAGGGCTCTCTAAAAACTTTTATAATTAGATTTAGTTCCCTTATAT[A>G]TTGTCGAATTTCTGCCATAAATGCTTTTACCAAATCATAGTAAGTTTGTTCTCCTGAGGT-3'
Protein context (NP_005624.2, residues 205-225): VKAFMAEIRQ[Tyr215His]IRELNLIIKV

ClinVar aggregate classification (germline): Uncertain significance. Review status: reviewed by expert panel (3 of 4 stars). 8 submissions from 7 submitters: Uncertain significance (1). 7 of the submissions do not count toward it. Last evaluated 2019-09-24.

Conditions:
Cardiovascular phenotype. Identifiers: MedGen CN230736.
RASopathy. Also called: rasopathies; Noonan spectrum disorder. Identifiers: Orphanet 536391, MedGen C5555857, MONDO:0021060.
Noonan syndrome 4 (NS4). Also called: SOS1-Related Noonan Syndrome; NOONAN SYNDROME WITH PIGMENTED VILLONODULAR SYNOVITIS. Identifiers: Orphanet 648, MedGen C1853120, MONDO:0012547, OMIM 610733.
Fibromatosis, gingival, 1 (GINGF1). Identifiers: Orphanet 2024, MedGen C4551558, MONDO:0007609, OMIM 135300.

Allele frequency attached by ClinVar (database versions not stated): gnomAD 0.00001 and 0.00002; ExAC 0.00002; gnomAD exomes 0.00002 and 0.00005; TOPMed 0.00004.
gnomAD v4.1: 37 of 1,599,528 alleles (0.0023%); highest among the groups gnomAD compares: Middle Eastern, 0.13%; no homozygotes.

Submissions (8):

ClinGen RASopathy Variant Curation Expert Panel
Classification: Uncertain significance for RASopathy. Last evaluated: 2019-09-24. Review status: reviewed by expert panel. Criteria: ClinGen RASopathy ACMG Specifications v1. Collection method: curation. Allele origin: germline. Inheritance: Autosomal dominant inheritance.
Comment: The c.643T>C (p.Tyr215His) variant in the SOS1 gene is present in 0.014% (5/35434) Latino alleles in gnomAD (BS1 not met). This variant was observed in 9 healthy adult individuals who did not have clinical features of a RASopathy (BS2; SCV000209098.13). In summary, the clinical significance of the p.Tyr215His variant is uncertain. RASopathy-specific ACMG/AMP criteria applied (PMID:29493581): BS2.

Labcorp Genetics (formerly Invitae), Labcorp
Classification: Uncertain significance for RASopathy. Last evaluated: 2026-01-07. Review status: criteria provided, single submitter. Criteria: Invitae Variant Classification Sherloc (09022015). Collection method: clinical testing. Allele origin: germline. Not counted in ClinVar's aggregate classification.
Comment: This sequence change replaces tyrosine, which is neutral and polar, with histidine, which is basic and polar, at codon 215 of the SOS1 protein (p.Tyr215His). This variant is present in population databases (rs730881039, gnomAD 0.01%). This variant has not been reported in the literature in individuals affected with SOS1-related conditions. ClinVar contains an entry for this variant (Variation ID: 181547). Invitae Evidence Modeling of protein sequence and biophysical properties (such as structural, functional, and spatial information, amino acid conservation, physicochemical variation, residue mobility, and thermodynamic stability) indicates that this missense variant is expected to disrupt SOS1 protein function with a positive predictive value of 95%. In summary, the available evidence is currently insufficient to determine the role of this variant in disease. Therefore, it has been classified as a Variant of Uncertain Significance.

Ambry Genetics
Classification: Uncertain significance for Cardiovascular phenotype. Last evaluated: 2025-03-14. Review status: criteria provided, single submitter. Criteria: Ambry Variant Classification Scheme 2023. Collection method: clinical testing. Allele origin: germline. Not counted in ClinVar's aggregate classification.
Comment: The p.Y215H variant (also known as c.643T>C), located in coding exon 5 of the SOS1 gene, results from a T to C substitution at nucleotide position 643. The tyrosine at codon 215 is replaced by histidine, an amino acid with similar properties. This amino acid position is highly conserved in available vertebrate species. In addition, this alteration is predicted to be deleterious by in silico analysis. Since supporting evidence is limited at this time, the clinical significance of this alteration remains unclear.

Blueprint Genetics
Classification: Uncertain significance. Last evaluated: 2024-09-23. Review status: criteria provided, single submitter. Criteria: ACMG Guidelines, 2015. Collection method: clinical testing. Allele origin: germline. Not counted in ClinVar's aggregate classification.

Fulgent Genetics
Classification: Uncertain significance for Fibromatosis, gingival, 1; Noonan syndrome 4. Last evaluated: 2021-11-03. Review status: criteria provided, single submitter. Criteria: ACMG Guidelines, 2015. Collection method: clinical testing. Allele origin: unknown. Not counted in ClinVar's aggregate classification.

GeneDx
Classification: Likely benign. Last evaluated: 2019-03-04. Review status: criteria provided, single submitter. Criteria: GeneDx Variant Classification Process June 2021. Collection method: clinical testing. Allele origin: germline. Affected: yes. Not counted in ClinVar's aggregate classification.

Illumina Laboratory Services, Illumina
Classification: Uncertain significance for Noonan syndrome 4. Last evaluated: 2017-04-27. Review status: criteria provided, single submitter. Criteria: ICSL Variant Classification Criteria 13 December 2019. Collection method: clinical testing. Allele origin: germline. Not counted in ClinVar's aggregate classification.

Illumina Laboratory Services, Illumina
Classification: Uncertain significance for Fibromatosis, gingival, 1. Last evaluated: 2017-04-27. Review status: criteria provided, single submitter. Criteria: ICSL Variant Classification Criteria 13 December 2019. Collection method: clinical testing. Allele origin: germline. Not counted in ClinVar's aggregate classification.